The following is an entry in ClinVar:

NM_182919.4(TICAM1):c.1301C>T (p.Pro434Leu)

Gene: TICAM1 (TIR domain containing adaptor molecule 1; minus strand). Cytogenetic location: 19p13.3.
Variant type: single nucleotide variant.
Coding change: c.1301C>T on transcript NM_182919.4 (MANE Select); coding-DNA position 1301, C replaced by T.
Protein change: p.Pro434Leu; replaces proline 434 with leucine.
Molecular consequence: missense variant.
Genome position (GRCh38, 1-based): chr19:4,817,077, G>A on the plus strand (C>T on the coding strand, the complement: TICAM1 is on the minus strand). VCF-style: chr19-4817077-G-A. GRCh37 (hg19) VCF-style: chr19-4817089-G-A.
Other names: c.1259C>T, p.Pro420Leu (NM_001385678.1); c.1166C>T, p.Pro389Leu (NM_001385679.1); c.659C>T, p.Pro220Leu (NM_001385680.1); short protein forms P220L, P389L, P420L, P434L.
Identifiers: ClinVar variation 1932970 (VCV001932970.5), dbSNP rs1221705597, ClinGen allele CA403490220.

ClinVar aggregate classification (germline): Uncertain significance (1 of 4 stars; one submission).

Conditions:
Encephalopathy, acute, infection-induced (herpes-specific), susceptibility to, 6. Also called: Herpes simplex encephalitis, susceptibility to, 4. Identifiers: Orphanet 1930, MedGen C3553869, MONDO:0013921, OMIM 614850.

Allele frequency attached by ClinVar (database versions not stated): gnomAD exomes 0.00001.

Submission:

Labcorp Genetics (formerly Invitae), Labcorp
Classification: Uncertain significance for Encephalopathy, acute, infection-induced (herpes-specific), susceptibility to, 6. Last evaluated: 2021-12-22. Review status: criteria provided, single submitter. Criteria: Invitae Variant Classification Sherloc (09022015). Collection method: clinical testing. Allele origin: germline.
Comment: This sequence change replaces proline, which is neutral and non-polar, with leucine, which is neutral and non-polar, at codon 434 of the TICAM1 protein (p.Pro434Leu). This variant is present in population databases (no rsID available, gnomAD 0.003%). This variant has not been reported in the literature in individuals affected with TICAM1-related conditions. Algorithms developed to predict the effect of missense changes on protein structure and function (SIFT, PolyPhen-2, Align-GVGD) all suggest that this variant is likely to be disruptive. In summary, the available evidence is currently insufficient to determine the role of this variant in disease. Therefore, it has been classified as a Variant of Uncertain Significance.